The following is an entry in ClinVar:

NM_144997.7(FLCN):c.158del (p.Gln53fs)

Gene: FLCN (folliculin; minus strand). Cytogenetic location: 17p11.2.
Variant type: Deletion.
Coding change: c.158del on transcript NM_144997.7 (MANE Select); coding-DNA position 158, one base deleted (A; older notation c.158delA).
Protein change: p.Gln53fs; shifts the reading frame from glutamine 53.
Molecular consequence: frameshift variant.
Genome position (GRCh38, 1-based): chr17:17,227,980, T deleted on the plus strand (A on the coding strand, the reverse complement: FLCN is on the minus strand). VCF-style (leftmost placement, unchanged base first): chr17-17227979-CT-C. GRCh37 (hg19) VCF-style: chr17-17131293-CT-C.
Other names: c.158del (LRG_325t1, NM_144997.6); c.158delA (NM_144997.5, NM_144997.7); c.158del, p.Gln53fs (NM_001353229.2, NM_001353230.2, NM_001353231.2 and 1 more transcripts); short protein forms Q53fs.
Identifiers: ClinVar variation 428637 (VCV000428637.27), dbSNP rs1131690825, ClinGen allele CA645369708.

ClinVar aggregate classification (germline): Pathogenic. Review status: criteria provided, multiple submitters, no conflicts (2 of 4 stars). 8 submissions from 8 submitters: Pathogenic (8). Last evaluated 2026-09-03.

Conditions:
Birt-Hogg-Dube syndrome 1 (BHD1). Also called: FIBROFOLLICULOMAS WITH TRICHODISCOMAS AND ACROCHORDONS. Identifiers: Orphanet 122, MedGen CN375946, MONDO:0800445, OMIM 135150.
Hereditary cancer-predisposing syndrome. Also called: Tumor predisposition; Neoplastic Syndromes, Hereditary; Hereditary neoplastic syndrome; Hereditary Cancer Syndrome. Identifiers: Orphanet 140162, MedGen C0027672, MeSH D009386, MONDO:0015356.
Birt-Hogg-Dube syndrome. Also called: Birt Hogg Dubé syndrome. Identifiers: Orphanet 122, MedGen C0346010, MONDO:0800444.

Submissions (8):

Clinical Genetics Laboratory, Skane University Hospital Lund
Classification: Pathogenic for Birt-Hogg-Dube syndrome 1. Last evaluated: 2026-09-03. Review status: criteria provided, single submitter. Criteria: ACMG Guidelines, 2015. Collection method: clinical testing. Allele origin: germline. Affected: yes.
Comment: PVS1, PS4_Moderate and PM2

Ambry Genetics
Classification: Pathogenic for Hereditary cancer-predisposing syndrome. Last evaluated: 2025-11-06. Review status: criteria provided, single submitter. Criteria: Ambry Variant Classification Scheme 2023. Collection method: clinical testing. Allele origin: germline.
Comment: The c.158delA pathogenic mutation, located in coding exon 1 of the FLCN gene, results from a deletion of one nucleotide at nucleotide position 158, causing a translational frameshift with a predicted alternate stop codon (p.Q53Rfs*2). This mutation has been reported in multiple individuals with Birt-Hogg-Dube syndrome (Whitworth J et al. Fam. Cancer, 2017 01;16:139-142; Rossing M et al. J. Hum. Genet., 2017 Feb;62:151-157). This variant is considered to be rare based on population cohorts in the Genome Aggregation Database (gnomAD). This alteration is expected to result in loss of function by premature protein truncation or nonsense-mediated mRNA decay. As such, this alteration is interpreted as a disease-causing mutation.

Quest Diagnostics Nichols Institute San Juan Capistrano
Classification: Pathogenic. Last evaluated: 2025-08-18. Review status: criteria provided, single submitter. Criteria: Quest Diagnostics criteria. Collection method: clinical testing. Allele origin: unknown.
Comment: The FLCN c.158del (p.Gln53Argfs*2) variant alters the translational reading frame of the FLCN mRNA and causes the premature termination of FLCN protein synthesis. This variant has been reported in the published literature in individuals with Burt-Hogg-Dube syndrome (BHD) (PMIDs: 27722904 (2017) and 27734835 (2017)). This variant has not been reported in large, multi-ethnic general populations (Genome Aggregation Database). Based on the available information, this variant is classified as pathogenic.

Labcorp Genetics (formerly Invitae), Labcorp
Classification: Pathogenic for Birt-Hogg-Dube syndrome. Last evaluated: 2025-06-14. Review status: criteria provided, single submitter. Criteria: Invitae Variant Classification Sherloc (09022015). Collection method: clinical testing. Allele origin: germline.
Comment: This sequence change creates a premature translational stop signal (p.Gln53Argfs*2) in the FLCN gene. It is expected to result in an absent or disrupted protein product. Loss-of-function variants in FLCN are known to be pathogenic (PMID: 15852235). This variant is not present in population databases (gnomAD no frequency). This premature translational stop signal has been observed in individuals with Birt-Hogg-Dubé syndrome (PMID: 27722904, 27734835). It has also been observed to segregate with disease in related individuals. ClinVar contains an entry for this variant (Variation ID: 428637). For these reasons, this variant has been classified as Pathogenic.

Center for Genomic Medicine, Rigshospitalet, Copenhagen University Hospital
Classification: Pathogenic. Last evaluated: 2025-03-04. Review status: criteria provided, single submitter. Criteria: ACMG Guidelines, 2015. Collection method: clinical testing. Allele origin: germline.

Myriad Genetics, Inc.
Classification: Pathogenic for Birt-Hogg-Dube syndrome 1. Last evaluated: 2023-04-25. Review status: criteria provided, single submitter. Criteria: Myriad Autosomal Dominant, Autosomal Recessive and X-Linked Classification Criteria (2023). Collection method: clinical testing. Allele origin: unknown.
Comment: This variant is considered pathogenic. This variant creates a frameshift predicted to result in premature protein truncation.

GeneDx
Classification: Pathogenic. Last evaluated: 2022-06-13. Review status: criteria provided, single submitter. Criteria: GeneDx Variant Classification Process June 2021. Collection method: clinical testing. Allele origin: germline. Affected: yes.
Comment: Frameshift variant predicted to result in protein truncation or nonsense mediated decay in a gene for which loss-of-function is a known mechanism of disease; Not observed at significant frequency in large population cohorts (gnomAD); This variant is associated with the following publications: (PMID: 27734835, 27722904, 29357828)

Baylor Genetics
Classification: Pathogenic for Birt-Hogg-Dube syndrome 1. Last evaluated: 2022-05-27. Review status: criteria provided, single submitter. Criteria: ACMG Guidelines, 2015. Collection method: clinical testing. Allele origin: unknown.

Literature cited by the submitters: PubMed 27722904 (cited by 3 submitters); PubMed 27734835 (cited by 4 submitters); PubMed 15852235 (cited by Labcorp Genetics (formerly Invitae), Labcorp).